The following is an entry in ClinVar:

ClinVar aggregate classification (germline): Uncertain significance (1 of 4 stars; one submission).

Submission:

GeneDx
Classification: Uncertain significance. Last evaluated: 2017-09-22. Review status: criteria provided, single submitter. Criteria: GeneDx Variant Classification (06012015). Collection method: clinical testing. Allele origin: germline. Affected: yes.
Comment: The R101H variant in the GJC2 gene has not been reported previously as a pathogenic variant, nor as a benign variant, to our knowledge. The R101H variant is not observed at a significant frequency in large population cohorts (Lek et al., 2016). The R101H variant is a conservative amino acid substitution, which is not likely to impact secondary protein structure as these residues share similar properties. This substitution occurs at a position where amino acids with similar properties to Arginine are tolerated across species. In silico analysis predicts this variant is probably damaging to the protein structure/function. We interpret R101H as a variant of uncertain significance.

NM_020435.4(GJC2):c.302G>A (p.Arg101His)

Gene: GJC2 (gap junction protein gamma 2; plus strand). Cytogenetic location: 1q42.13.
Variant type: single nucleotide variant.
Coding change: c.302G>A on transcript NM_020435.4 (MANE Select); coding-DNA position 302, G replaced by A.
Protein change: p.Arg101His; replaces arginine 101 with histidine.
Molecular consequence: missense variant.
Genome position (GRCh38, 1-based): chr1:228,158,060, G>A. VCF-style: chr1-228158060-G-A. GRCh37 (hg19) VCF-style: chr1-228345761-G-A.
Other names: short protein forms R101H.
Identifiers: ClinVar variation 452216 (VCV000452216.2), dbSNP rs375288744, ClinGen allele CA1430838.